The following is an entry in ClinVar:

ClinVar aggregate classification (germline): Uncertain significance. Review status: criteria provided, multiple submitters, no conflicts (2 of 4 stars). 3 submissions from 3 submitters: Uncertain significance (3). Last evaluated 2025-08-19.

Conditions:
Hereditary cancer-predisposing syndrome. Also called: Hereditary neoplastic syndrome; Neoplastic Syndromes, Hereditary; Tumor predisposition; Hereditary Cancer Syndrome. Identifiers: Orphanet 140162, MedGen C0027672, MeSH D009386, MONDO:0015356.
Familial cancer of breast. Also called: BREAST CANCER, FAMILIAL; Hereditary breast cancer; hereditary breast carcinoma. Identifiers: Orphanet 227535, MedGen C0346153, MONDO:0016419, OMIM 114480. Disease mechanism: loss of function.

gnomAD v4.1: 2 of 1,614,080 alleles (0.00012%); highest among the groups gnomAD compares: East Asian, 0.0022%; no homozygotes.

Submissions (3):

Ambry Genetics
Classification: Uncertain significance for Hereditary cancer-predisposing syndrome. Last evaluated: 2025-08-19. Review status: criteria provided, single submitter. Criteria: Ambry Variant Classification Scheme 2023. Collection method: clinical testing. Allele origin: germline.
Comment: The p.N186I variant (also known as c.557A>T), located in coding exon 3 of the CHEK2 gene, results from an A to T substitution at nucleotide position 557. The asparagine at codon 186 is replaced by isoleucine, an amino acid with dissimilar properties. This amino acid position is highly conserved in available vertebrate species. In addition, this alteration is predicted to be deleterious by in silico analysis. Based on the available evidence, the clinical significance of this variant remains unclear.

Labcorp Genetics (formerly Invitae), Labcorp
Classification: Uncertain significance for Familial cancer of breast. Last evaluated: 2025-01-23. Review status: criteria provided, single submitter. Criteria: Invitae Variant Classification Sherloc (09022015). Collection method: clinical testing. Allele origin: germline.
Comment: This sequence change replaces asparagine, which is neutral and polar, with isoleucine, which is neutral and non-polar, at codon 186 of the CHEK2 protein (p.Asn186Ile). This variant is present in population databases (rs369223840, gnomAD 0.006%). This variant has not been reported in the literature in individuals affected with CHEK2-related conditions. ClinVar contains an entry for this variant (Variation ID: 186059). An algorithm developed to predict the effect of missense changes on protein structure and function (PolyPhen-2) suggests that this variant is likely to be disruptive. In summary, the available evidence is currently insufficient to determine the role of this variant in disease. Therefore, it has been classified as a Variant of Uncertain Significance.

Color Diagnostics, LLC DBA Color Health
Classification: Uncertain significance for Hereditary cancer-predisposing syndrome. Last evaluated: 2018-09-02. Review status: criteria provided, single submitter. Criteria: ACMG Guidelines, 2015. Collection method: clinical testing. Allele origin: germline.

NM_007194.4(CHEK2):c.557A>T (p.Asn186Ile)

Gene: CHEK2 (checkpoint kinase 2; minus strand). Cytogenetic location: 22q12.1.
Variant type: single nucleotide variant.
Coding change: c.557A>T on transcript NM_007194.4 (MANE Select); coding-DNA position 557, A replaced by T.
Protein change: p.Asn186Ile; replaces asparagine 186 with isoleucine.
Molecular consequence: missense variant. On other transcripts: 5 prime UTR variant (2), intron variant (1).
Genome position (GRCh38, 1-based): chr22:28,725,012, T>A on the plus strand (A>T on the coding strand, the complement: CHEK2 is on the minus strand). VCF-style: chr22-28725012-T-A. GRCh37 (hg19) VCF-style: chr22-29121000-T-A.
Other names: c.686A>T, p.Asn229Ile (NM_001005735.3, NM_001438294.1); c.-221A>T (NM_001257387.3); c.-107A>T (NM_001437942.1); c.650A>T, p.Asn217Ile (NM_001438293.1, NM_001438295.1); c.557A>T, p.Asn186Ile (NM_145862.3); c.445-89A>T (NM_001349956.3); short protein forms N186I, N229I, N217I.
Identifiers: ClinVar variation 186059 (VCV000186059.11), dbSNP rs369223840, ClinGen allele CA193758.